The following is an entry in ClinVar:

NM_017890.5(VPS13B):c.4274G>T (p.Ser1425Ile)

Gene: VPS13B (vacuolar protein sorting 13 homolog B; plus strand). Cytogenetic location: 8q22.2.
Variant type: single nucleotide variant.
Coding change: c.4274G>T on transcript NM_017890.5 (MANE Plus Clinical); coding-DNA position 4274, G replaced by T.
Protein change: p.Ser1425Ile; replaces serine 1425 with isoleucine.
Molecular consequence: missense variant. On other transcripts: intron variant (1).
Genome position (GRCh38, 1-based): chr8:99,507,886, G>T. VCF-style: chr8-99507886-G-T. GRCh37 (hg19) VCF-style: chr8-100520114-G-T.
Other names: c.4224+683G>T (NM_152564.5); short protein forms S1425I.
Identifiers: ClinVar variation 4696498 (VCV004696498.1).
Genomic context (GRCh38, chr8:99,507,886, plus strand): 5'-CTGACAAGCTGAACAGACGCACCTTGTTGGTTCGACCCATCAGCAAGCAGGACCCTTTCA[G>T]TAATTGCTCTGGCTTCTTTCCTTCTGTAAGAAATTACTTTAAATTATGCTACACAACTCC-3'
Protein context (NP_060360.3, residues 1415-1435): VRPISKQDPF[Ser1425Ile]NCSGFFPSTT

ClinVar aggregate classification (germline): Uncertain significance (1 of 4 stars; one submission).

Conditions:
Cohen syndrome (COH1). Also called: PEPPER SYNDROME; Cutis verticis gyrata, retinitis pigmentosa, and sensorineural deafness. Identifiers: Orphanet 193, MedGen C0265223, MONDO:0008999, OMIM 216550.

gnomAD v4.1: 1 of 1,614,038 alleles (0.000062%); highest among the groups gnomAD compares: Non-Finnish European, 0.000085%; no homozygotes.

Submission:

Labcorp Genetics (formerly Invitae), Labcorp
Classification: Uncertain significance for Cohen syndrome. Last evaluated: 2025-09-03. Review status: criteria provided, single submitter. Criteria: Invitae Variant Classification Sherloc (09022015). Collection method: clinical testing. Allele origin: germline.
Comment: This sequence change replaces serine, which is neutral and polar, with isoleucine, which is neutral and non-polar, at codon 1425 of the VPS13B protein (p.Ser1425Ile). This variant is not present in population databases (gnomAD no frequency). This variant has not been reported in the literature in individuals affected with VPS13B-related conditions. An algorithm developed to predict the effect of missense changes on protein structure and function (PolyPhen-2) suggests that this variant is likely to be tolerated. In summary, the available evidence is currently insufficient to determine the role of this variant in disease. Therefore, it has been classified as a Variant of Uncertain Significance.